The following is an entry in ClinVar:

NM_000282.4(PCCA):c.2017G>C (p.Val673Leu)

Gene: PCCA (propionyl-CoA carboxylase subunit alpha; plus strand). Cytogenetic location: 13q32.3.
Variant type: single nucleotide variant.
Coding change: c.2017G>C on transcript NM_000282.4 (MANE Select); coding-DNA position 2017, G replaced by C.
Protein change: p.Val673Leu; replaces valine 673 with leucine.
Molecular consequence: missense variant. On other transcripts: non-coding transcript variant (4), intron variant (2).
Genome position (GRCh38, 1-based): chr13:100,515,544, G>C. VCF-style: chr13-100515544-G-C. GRCh37 (hg19) VCF-style: chr13-101167798-G-C.
Other names: p.Val673Leu; c.1939G>C, p.Val647Leu (NM_001127692.3); c.1963G>C, p.Val655Leu (NM_001352605.2); c.1873G>C, p.Val625Leu (NM_001352606.2); c.1795G>C, p.Val599Leu (NM_001352608.2); c.1072G>C, p.Val358Leu (NM_001352610.2); c.1018G>C, p.Val340Leu (NM_001352611.2); c.928G>C, p.Val310Leu (NM_001352612.2); and 2 more; short protein forms V673L, V655L, V340L, V358L, V599L, V625L, V310L, V647L.
Identifiers: ClinVar variation 459937 (VCV000459937.64), dbSNP rs142646074, ClinGen allele CA7033870.

ClinVar aggregate classification (germline): Conflicting classifications of pathogenicity. Review status: criteria provided, conflicting classifications (1 of 4 stars). 8 submissions from 8 submitters: Uncertain significance (1); Likely benign (5). 2 of the submissions do not count toward it. Last evaluated 2026-04-01.

Conditions:
PCCA-related disorder. Also called: PCCA-related condition.
Propionic acidemia (PROP). Also called: KETOTIC HYPERGLYCINEMIA; GLYCINEMIA, KETOTIC; HYPERGLYCINEMIA WITH KETOACIDOSIS AND LEUKOPENIA. Identifiers: Orphanet 35, MedGen C0268579, MONDO:0011628, OMIM 606054, HP:0003571.

Allele frequency attached by ClinVar (database versions not stated): 1000 Genomes Project 30x 0.00016; TOPMed 0.00202; ESP Exome Variant Server 0.00315.
gnomAD v4.1: 5,118 of 1,613,964 alleles (0.32%); highest among the groups gnomAD compares: Non-Finnish European, 0.38%; 9 homozygotes.

Submissions (8):

CeGaT Center for Human Genetics Tuebingen
Classification: Likely benign. Last evaluated: 2026-04-01. Review status: criteria provided, single submitter. Criteria: CeGaT Center For Human Genetics Tuebingen Variant Classification Criteria Version 2. Collection method: clinical testing. Allele origin: germline. Affected: yes. Observed: 6 variant alleles.
Comment: PCCA: BP4, BS2

Labcorp Genetics (formerly Invitae), Labcorp
Classification: Likely benign for Propionic acidemia. Last evaluated: 2026-02-01. Review status: criteria provided, single submitter. Criteria: Invitae Variant Classification Sherloc (09022015). Collection method: clinical testing. Allele origin: germline.

Blueprint Genetics
Classification: Likely benign. Last evaluated: 2024-11-19. Review status: criteria provided, single submitter. Criteria: ACMG Guidelines, 2015. Collection method: clinical testing. Allele origin: germline.

Mayo Clinic Laboratories, Mayo Clinic
Classification: Likely benign. Last evaluated: 2024-08-30. Review status: criteria provided, single submitter. Criteria: ACMG Guidelines, 2015. Collection method: clinical testing. Allele origin: germline. Observed: 4 variant alleles.
Comment: BS1, BS2, BP5

GeneDx
Classification: Likely benign. Last evaluated: 2021-01-13. Review status: criteria provided, single submitter. Criteria: GeneDx Variant Classification Process June 2021. Collection method: clinical testing. Allele origin: germline. Affected: yes.

Illumina Laboratory Services, Illumina
Classification: Uncertain significance for Propionic acidemia. Last evaluated: 2017-04-27. Review status: criteria provided, single submitter. Criteria: ICSL Variant Classification Criteria 13 December 2019. Collection method: clinical testing. Allele origin: germline.

Division of Genetic Medicine, Lausanne University Hospital
Classification: Benign for Propionic acidemia. Last evaluated: 2021-01-13. Review status: no assertion criteria provided. Collection method: clinical testing. Allele origin: inherited. Inheritance: Autosomal recessive inheritance. Affected: no. Observed: 3 variant alleles, 3 homozygotes. Not counted in ClinVar's aggregate classification.
Comment: The p.Val673Leu in PCCA has been found in homozygous state in three individuals without a phenotype of propionicacidemia. It has been previously identified as VUS but was never found in previous publications.

PreventionGenetics, part of Exact Sciences
Classification: Likely benign for PCCA-related condition. Last evaluated: 2019-12-05. Review status: no assertion criteria provided. Collection method: clinical testing. Allele origin: germline. Not counted in ClinVar's aggregate classification.
Comment: This variant is classified as likely benign based on ACMG/AMP sequence variant interpretation guidelines (Richards et al. 2015 PMID: 25741868, with internal and published modifications).

Literature cited by the submitters: PubMed 33586135 (cited by Mayo Clinic Laboratories, Mayo Clinic).